The following is an entry in ClinVar:

ClinVar aggregate classification (germline): Uncertain significance (1 of 4 stars; one submission).

Submission:

Labcorp Genetics (formerly Invitae), Labcorp
Classification: Uncertain significance. Last evaluated: 2025-11-01. Review status: criteria provided, single submitter. Criteria: Invitae Variant Classification Sherloc (09022015). Collection method: clinical testing. Allele origin: germline.
Comment: This sequence change falls in intron 30 of the COL11A1 gene. It does not directly change the encoded amino acid sequence of the COL11A1 protein. It affects a nucleotide within the consensus splice site. This variant is not present in population databases (gnomAD no frequency). This variant has not been reported in the literature in individuals affected with COL11A1-related conditions. Variants that disrupt the consensus splice site are a relatively common cause of aberrant splicing (PMID: 17576681, 9536098). Algorithms developed to predict the effect of sequence changes on RNA splicing suggest that this variant is not likely to affect RNA splicing. In summary, the available evidence is currently insufficient to determine the role of this variant in disease. Therefore, it has been classified as a Variant of Uncertain Significance.

Literature cited by the submitters: PubMed 17576681; PubMed 9536098.

NM_001854.4(COL11A1):c.2502+5G>C

Gene: COL11A1 (collagen type XI alpha 1 chain; minus strand). Cytogenetic location: 1p21.1.
Variant type: single nucleotide variant.
Coding change: c.2502+5G>C on transcript NM_001854.4 (MANE Select); 5 bases into the intron after coding-DNA position 2502, G replaced by C.
Molecular consequence: intron variant.
Genome position (GRCh38, 1-based): chr1:102,987,628, C>G on the plus strand (G>C on the coding strand, the complement: COL11A1 is on the minus strand). VCF-style: chr1-102987628-C-G. GRCh37 (hg19) VCF-style: chr1-103453184-C-G.
Other names: c.2385+5G>C (NM_001190709.2); c.2538+5G>C (NM_080629.3); c.2154+5G>C (NM_080630.4).
Identifiers: ClinVar variation 4770263 (VCV004770263.1).
Genomic context (GRCh38, chr1:102,987,628, plus strand): 5'-GAAATTTAAATGATAATGAAACATCAGCTGCAAGAGTACCAGTGAATTTAAAGTCATTTA[C>G]CAACCTTTTCTCCTGCTTGACCTGAAGGACCTGGGTCTCCAGTTGGGCCTGCTCGACCTT-3'